The following is an entry in ClinVar:

NM_022779.9(DDX31):c.2085C>G (p.Ala695=)

Gene: DDX31 (DEAD-box helicase 31; minus strand). Cytogenetic location: 9q34.13.
Variant type: single nucleotide variant.
Coding change: c.2085C>G on transcript NM_022779.9 (MANE Select); coding-DNA position 2085, C replaced by G.
Protein change: p.Ala695=; no amino-acid change (alanine 695 retained).
Molecular consequence: synonymous variant. On other transcripts: non-coding transcript variant (1).
Genome position (GRCh38, 1-based): chr9:132,595,022, G>C on the plus strand (C>G on the coding strand, the complement: DDX31 is on the minus strand). VCF-style: chr9-132595022-G-C. GRCh37 (hg19) VCF-style: chr9-135470409-G-C.
Other names: c.1866C>G, p.Ala622= (NM_001322340.2); c.2112C>G, p.Ala704= (NM_001322341.2); c.1869C>G, p.Ala623= (NM_001322342.1); c.2013C>G, p.Ala671= (NM_001322343.1).
Identifiers: ClinVar variation 2659658 (VCV002659658.24), dbSNP rs150458058, ClinGen allele CA5299566.

ClinVar aggregate classification (germline): Likely benign (1 of 4 stars; one submission).

Allele frequency attached by ClinVar (database versions not stated): ESP Exome Variant Server 0.00015; TOPMed 0.00033; gnomAD 0.00061; gnomAD exomes 0.00078; ExAC 0.00154; 1000 Genomes Project 30x 0.00156; 1000 Genomes Project 0.00180.
gnomAD v4.1: 1,277 of 1,614,218 alleles (0.079%); highest among the groups gnomAD compares: Middle Eastern, 1.1%; 17 homozygotes.

Submission:

CeGaT Center for Human Genetics Tuebingen
Classification: Likely benign. Last evaluated: 2022-10-01. Review status: criteria provided, single submitter. Criteria: CeGaT Center For Human Genetics Tuebingen Variant Classification Criteria Version 2. Collection method: clinical testing. Allele origin: germline. Affected: yes. Observed: 1 variant allele.
Comment: DDX31: BP4, BP7